The following is an entry in ClinVar:

NM_001286.5(CLCN6):c.68C>T (p.Thr23Ile)

Gene: CLCN6 (chloride voltage-gated channel 6; plus strand). Cytogenetic location: 1p36.22.
Variant type: single nucleotide variant.
Coding change: c.68C>T on transcript NM_001286.5 (MANE Select); coding-DNA position 68, C replaced by T.
Protein change: p.Thr23Ile; replaces threonine 23 with isoleucine.
Molecular consequence: missense variant. On other transcripts: non-coding transcript variant (1).
Genome position (GRCh38, 1-based): chr1:11,806,330, C>T. VCF-style: chr1-11806330-C-T. GRCh37 (hg19) VCF-style: chr1-11866387-C-T.
Other names: c.68C>T, p.Thr23Ile (NM_001256959.2); c.68C>T (NM_001286.2); short protein forms T23I.
Identifiers: ClinVar variation 1446322 (VCV001446322.10), dbSNP rs769631586, ClinGen allele CA595858.

ClinVar aggregate classification (germline): Uncertain significance. Review status: criteria provided, multiple submitters, no conflicts (2 of 4 stars). 2 submissions from 2 submitters: Uncertain significance (2). Last evaluated 2025-10-22.

Allele frequency attached by ClinVar (database versions not stated): ExAC 0.00001; gnomAD exomes 0.00001; TOPMed 0.00004; gnomAD 0.00006 and 0.00008.
gnomAD v4.1: 12 of 1,516,022 alleles (0.00079%); highest among the groups gnomAD compares: African/African-American, 0.018%; no homozygotes.

Submissions (2):

Ambry Genetics
Classification: Uncertain significance. Last evaluated: 2025-10-22. Review status: criteria provided, single submitter. Criteria: Ambry Variant Classification Scheme 2023. Collection method: clinical testing. Allele origin: germline.

Labcorp Genetics (formerly Invitae), Labcorp
Classification: Uncertain significance. Last evaluated: 2025-08-20. Review status: criteria provided, single submitter. Criteria: Invitae Variant Classification Sherloc (09022015). Collection method: clinical testing. Allele origin: germline.
Comment: This sequence change replaces threonine, which is neutral and polar, with isoleucine, which is neutral and non-polar, at codon 23 of the CLCN6 protein (p.Thr23Ile). The frequency data for this variant in the population databases is considered unreliable, as metrics indicate poor data quality at this position in the gnomAD database. This variant has not been reported in the literature in individuals affected with CLCN6-related conditions. ClinVar contains an entry for this variant (Variation ID: 1446322). An algorithm developed to predict the effect of missense changes on protein structure and function (PolyPhen-2) suggests that this variant is likely to be tolerated. In summary, the available evidence is currently insufficient to determine the role of this variant in disease. Therefore, it has been classified as a Variant of Uncertain Significance.